The following is an entry in ClinVar:

ClinVar aggregate classification (germline): Conflicting classifications of pathogenicity. Review status: criteria provided, conflicting classifications (1 of 4 stars). 4 submissions from 4 submitters: Likely pathogenic (1); Uncertain significance (3). Last evaluated 2026-08-25.

Conditions:
Hereditary cancer-predisposing syndrome. Also called: Neoplastic Syndromes, Hereditary; Hereditary Cancer Syndrome; Tumor predisposition; Hereditary neoplastic syndrome. Identifiers: Orphanet 140162, MedGen C0027672, MeSH D009386, MONDO:0015356.
Familial adenomatous polyposis 2. Also called: FAP type 2; MUTYH-associated polyposis; MUTYH-related attenuated familial adenomatous polyposis; COLORECTAL ADENOMATOUS POLYPOSIS, AUTOSOMAL RECESSIVE; ADENOMAS, MULTIPLE COLORECTAL, AUTOSOMAL RECESSIVE; Adenomas, multiple colorectal. Identifiers: Orphanet 220460, Orphanet 247798, MedGen C3272841, MONDO:0012041, OMIM 608456.

Submissions (4):

Ambry Genetics
Classification: Likely pathogenic for Hereditary cancer-predisposing syndrome. Last evaluated: 2026-08-25. Review status: criteria provided, single submitter. Criteria: Ambry Variant Classification Scheme 2023. Collection method: clinical testing. Allele origin: germline.
Comment: The c.689A>G variant (also known as p.Q230R), located in coding exon 8 of the MUTYH gene, results from an A to G substitution at nucleotide position 689. The glutamine at codon 230 is replaced by arginine, an amino acid with highly similar properties. This nucleotide position is well conserved in available vertebrate species. In silico splice site analysis predicts that this alteration will weaken the native splice donor site. RNA studies have demonstrated that this alteration results in abnormal splicing in the set of samples tested (Ambry internal data). This variant is considered to be rare based on population cohorts in the Genome Aggregation Database (gnomAD). Based on the majority of available evidence to date, this variant is likely to be pathogenic.

Women's Health and Genetics/Laboratory Corporation of America, LabCorp
Classification: Uncertain significance. Last evaluated: 2026-04-13. Review status: criteria provided, single submitter. Criteria: LabCorp Variant Classification Summary - May 2015. Collection method: clinical testing. Allele origin: germline.
Comment: Variant summary: MUTYH c.689A>G (p.Gln230Arg) results in a conservative amino acid change in the encoded protein sequence. Algorithms developed to predict the effect of missense changes on protein structure and function are either unavailable or do not agree on the potential impact of this missense change. Several computational tools predict a significant impact on normal splicing: One predict the variant abolishes a 5' splicing donor site. Two predict the variant weakens a 5' donor site. Three predict the variant abolishes a 3' acceptor site. However, these predictions have yet to be confirmed by functional studies. The variant was absent in 251322 control chromosomes. The available data on variant occurrences in the general population are insufficient to allow any conclusion about variant significance. To our knowledge, no occurrence of c.689A>G in individuals affected with MUTYH-related conditions and no experimental evidence demonstrating its impact on protein function have been reported. ClinVar contains an entry for this variant (Variation ID: 964790). Based on the evidence outlined above, the variant was classified as uncertain significance.

Center for Genomic Medicine, Rigshospitalet, Copenhagen University Hospital
Classification: Uncertain significance. Last evaluated: 2025-03-04. Review status: criteria provided, single submitter. Criteria: ACMG Guidelines, 2015. Collection method: clinical testing. Allele origin: germline.

Labcorp Genetics (formerly Invitae), Labcorp
Classification: Uncertain significance for Familial adenomatous polyposis 2. Last evaluated: 2024-11-02. Review status: criteria provided, single submitter. Criteria: Invitae Variant Classification Sherloc (09022015). Collection method: clinical testing. Allele origin: germline.
Comment: This sequence change replaces glutamine, which is neutral and polar, with arginine, which is basic and polar, at codon 230 of the MUTYH protein (p.Gln230Arg). This variant is not present in population databases (gnomAD no frequency). This variant has not been reported in the literature in individuals affected with MUTYH-related conditions. ClinVar contains an entry for this variant (Variation ID: 964790). An algorithm developed to predict the effect of missense changes on protein structure and function (PolyPhen-2) suggests that this variant is likely to be disruptive. Algorithms developed to predict the effect of sequence changes on RNA splicing suggest that this variant may disrupt the consensus splice site. In summary, the available evidence is currently insufficient to determine the role of this variant in disease. Therefore, it has been classified as a Variant of Uncertain Significance.

NM_001048174.2(MUTYH):c.605A>G (p.Gln202Arg)

Gene: MUTYH (mutY DNA glycosylase; minus strand). Cytogenetic location: 1p34.1.
Variant type: single nucleotide variant.
Coding change: c.605A>G on transcript NM_001048174.2 (MANE Select); coding-DNA position 605, A replaced by G.
Protein change: p.Gln202Arg; replaces glutamine 202 with arginine.
Molecular consequence: missense variant. On other transcripts: non-coding transcript variant (2).
Genome position (GRCh38, 1-based): chr1:45,332,575, T>C on the plus strand (A>G on the coding strand, the complement: MUTYH is on the minus strand). VCF-style: chr1-45332575-T-C. GRCh37 (hg19) VCF-style: chr1-45798247-T-C.
Other names: c.605A>G, p.Gln202Arg (NM_001048171.2, NM_001048173.2, NM_001293195.2); c.608A>G, p.Gln203Arg (NM_001048172.2); c.689A>G, p.Gln230Arg (NM_001128425.2); c.650A>G, p.Gln217Arg (NM_001293190.2); c.638A>G, p.Gln213Arg (NM_001293191.2); c.329A>G, p.Gln110Arg (NM_001293192.2, NM_001293196.2); c.260A>G, p.Gln87Arg (NM_001350650.2, NM_001350651.2); c.680A>G, p.Gln227Arg (NM_012222.3); short protein forms Q230R, Q110R, Q203R, Q227R, Q202R, Q217R, Q87R, Q213R.
Identifiers: ClinVar variation 964790 (VCV000964790.16), dbSNP rs1645128943, ClinGen allele CA340135259.